The following is an entry in ClinVar:

ClinVar aggregate classification (germline): Uncertain significance (1 of 4 stars; one submission).

Conditions:
Encephalopathy, acute, infection-induced (herpes-specific), susceptibility to, 6. Also called: Herpes simplex encephalitis, susceptibility to, 4. Identifiers: Orphanet 1930, MedGen C3553869, MONDO:0013921, OMIM 614850.

Submission:

Labcorp Genetics (formerly Invitae), Labcorp
Classification: Uncertain significance for Encephalopathy, acute, infection-induced (herpes-specific), susceptibility to, 6. Last evaluated: 2020-03-10. Review status: criteria provided, single submitter. Criteria: Invitae Variant Classification Sherloc (09022015). Collection method: clinical testing. Allele origin: germline.
Comment: In summary, the available evidence is currently insufficient to determine the role of this variant in disease. Therefore, it has been classified as a Variant of Uncertain Significance. Algorithms developed to predict the effect of missense changes on protein structure and function are either unavailable or do not agree on the potential impact of this missense change (SIFT: "Deleterious"; PolyPhen-2: "Benign"; Align-GVGD: "Class C0"). This variant has not been reported in the literature in individuals with TICAM1-related conditions. This variant is not present in population databases (ExAC no frequency). This sequence change replaces methionine with arginine at codon 474 of the TICAM1 protein (p.Met474Arg). The methionine residue is moderately conserved and there is a moderate physicochemical difference between methionine and arginine.

NM_182919.4(TICAM1):c.1421T>G (p.Met474Arg)

Gene: TICAM1 (TIR domain containing adaptor molecule 1; minus strand). Cytogenetic location: 19p13.3.
Variant type: single nucleotide variant.
Coding change: c.1421T>G on transcript NM_182919.4 (MANE Select); coding-DNA position 1421, T replaced by G.
Protein change: p.Met474Arg; replaces methionine 474 with arginine.
Molecular consequence: missense variant.
Genome position (GRCh38, 1-based): chr19:4,816,957, A>C on the plus strand (T>G on the coding strand, the complement: TICAM1 is on the minus strand). VCF-style: chr19-4816957-A-C. GRCh37 (hg19) VCF-style: chr19-4816969-A-C.
Other names: c.1379T>G, p.Met460Arg (NM_001385678.1); c.1286T>G, p.Met429Arg (NM_001385679.1); c.779T>G, p.Met260Arg (NM_001385680.1); short protein forms M260R, M429R, M460R, M474R.
Identifiers: ClinVar variation 1062954 (VCV001062954.9), dbSNP rs1256701940, ClinGen allele CA403489694.
Genomic context (GRCh38, chr19:4,816,957, plus strand): 5'-CTCTCCAGGGGCAGGAAGGGGATGACACAGTCTGGCGACCCCTGTCGCGTGAGGTTGCTC[A>C]TCATGGCTTGGTTCACCTGGTGCAGGCTCAGGCGACAGTCGAAGTTGGAGGTGAGAAGTA-3'
Protein context (NP_891549.1, residues 464-484): LSLHQVNQAM[Met474Arg]SNLTRQGSPD